The following is an entry in ClinVar:

ClinVar aggregate classification (germline): Pathogenic. Review status: criteria provided, multiple submitters, no conflicts (2 of 4 stars). 3 submissions from 3 submitters: Pathogenic (3). Last evaluated 2024-10-22.

Conditions:
USH2A-related disorder. Also called: USH2A-related condition; USH2A-related disorders. Identifiers: MedGen CN239332.
Usher syndrome type 2A. Also called: RETINAL DISEASE IN USHER SYNDROME TYPE IIA, MODIFIER OF; USHER SYNDROME, TYPE IIA. Identifiers: Orphanet 231178, Orphanet 886, MedGen C1848634, MONDO:0010169, OMIM 276901.

Submissions (3):

Victorian Clinical Genetics Services, Murdoch Childrens Research Institute
Classification: Pathogenic for Usher syndrome type 2A. Last evaluated: 2024-10-22. Review status: criteria provided, single submitter. Criteria: ACMG Guidelines, 2015. Collection method: clinical testing. Allele origin: germline. Affected: yes.
Comment: This variant is classified as Pathogenic. Evidence in support of pathogenic classification: Variant is predicted to cause nonsense-mediated decay (NMD) and loss of protein (premature termination codon is located at least 54 nucleotides upstream of the final exon-exon junction); Variant is absent from gnomAD (v2, v3 and v4); This variant has limited previous evidence of pathogenicity in an unrelated individual. This variant has been classified as pathogenic by a clinical laboratory in ClinVar; Other NMD-predicted variants comparable to the one identified in this case have very strong previous evidence for pathogenicity. Many NMD-predicted variants have been classified as pathogenic or likely pathogenic by clinical laboratories in ClinVar. Additional information: This variant is homozygous; This gene is associated with autosomal recessive disease; Loss of function is a known mechanism of disease in this gene and is associated with Usher syndrome, type 2A (MIM#276901) and retinitis pigmentosa (RP; MIM# 6138093). Null variants are associated with Usher syndrome, while homozygous missense variants which lead to partially functional proteins typically cause non-syndromic RP (PMID: 20301515); Inheritance information for this variant is not currently available in this individual.

Myriad Genetics, Inc.
Classification: Pathogenic for USH2A-related disorder. Last evaluated: 2024-05-08. Review status: criteria provided, single submitter. Criteria: Myriad Autosomal Dominant, Autosomal Recessive and X-Linked Classification Criteria (2023). Collection method: clinical testing. Allele origin: unknown.
Comment: NM_206933.2(USH2A):c.14101G>T(E4701*) is expected to be pathogenic in the context of USH2A-related disorders. This variant is predicted to lead to an abnormal or absent protein product due to the creation of a premature termination codon in USH2A, a gene where loss-of-function variants are known to be pathogenic. Please note: this variant was assessed in the context of healthy population screening.

Labcorp Genetics (formerly Invitae), Labcorp
Classification: Pathogenic. Last evaluated: 2022-02-03. Review status: criteria provided, single submitter. Criteria: Invitae Variant Classification Sherloc (09022015). Collection method: clinical testing. Allele origin: germline.
Comment: For these reasons, this variant has been classified as Pathogenic. ClinVar contains an entry for this variant (Variation ID: 1075665). This variant has not been reported in the literature in individuals affected with USH2A-related conditions. This variant is not present in population databases (gnomAD no frequency). This sequence change creates a premature translational stop signal (p.Glu4701*) in the USH2A gene. It is expected to result in an absent or disrupted protein product. Loss-of-function variants in USH2A are known to be pathogenic (PMID: 10729113, 10909849, 20507924, 25649381).

Literature cited by the submitters: PubMed 20301515 (cited by Victorian Clinical Genetics Services, Murdoch Childrens Research Institute); PubMed 10729113 (cited by Labcorp Genetics (formerly Invitae), Labcorp); PubMed 10909849 (cited by Labcorp Genetics (formerly Invitae), Labcorp); PubMed 20507924 (cited by Labcorp Genetics (formerly Invitae), Labcorp); PubMed 25649381 (cited by Labcorp Genetics (formerly Invitae), Labcorp).

NM_206933.4(USH2A):c.14101G>T (p.Glu4701Ter)

Gene: USH2A (usherin; minus strand). Cytogenetic location: 1q41.
Variant type: single nucleotide variant.
Coding change: c.14101G>T on transcript NM_206933.4 (MANE Select); coding-DNA position 14101, G replaced by T.
Protein change: p.Glu4701Ter; replaces glutamic acid 4701 with a stop codon.
Molecular consequence: nonsense.
Genome position (GRCh38, 1-based): chr1:215,671,004, C>A on the plus strand (G>T on the coding strand, the complement: USH2A is on the minus strand). VCF-style: chr1-215671004-C-A. GRCh37 (hg19) VCF-style: chr1-215844346-C-A.
Other names: short protein forms E4701*.
Identifiers: ClinVar variation 1075665 (VCV001075665.10), dbSNP rs372966682, ClinGen allele CA344840124.